The following is an entry in ClinVar:

ClinVar aggregate classification (germline): Uncertain significance (1 of 4 stars; one submission).

Allele frequency attached by ClinVar (database versions not stated): gnomAD exomes below 0.00001; gnomAD 0.00001.
gnomAD v4.1: 4 of 1,598,804 alleles (0.00025%); highest among the groups gnomAD compares: African/African-American, 0.0041%; no homozygotes.

Submission:

Ambry Genetics
Classification: Uncertain significance. Last evaluated: 2025-05-31. Review status: criteria provided, single submitter. Criteria: Ambry Variant Classification Scheme 2023. Collection method: clinical testing. Allele origin: germline.
Comment: The p.L356F variant (also known as c.1066C>T), located in coding exon 10 of the SLMAP gene, results from a C to T substitution at nucleotide position 1066. The leucine at codon 356 is replaced by phenylalanine, an amino acid with highly similar properties. This amino acid position is conserved. In addition, the in silico prediction for this alteration is inconclusive. Since supporting evidence is limited at this time, the clinical significance of this alteration remains unclear.

NM_001377540.1(SLMAP):c.1066C>T (p.Leu356Phe)

Gene: SLMAP (sarcolemma associated protein; plus strand). Cytogenetic location: 3p14.3.
Variant type: single nucleotide variant.
Coding change: c.1066C>T on transcript NM_001377540.1 (MANE Select); coding-DNA position 1066, C replaced by T.
Protein change: p.Leu356Phe; replaces leucine 356 with phenylalanine.
Molecular consequence: missense variant. On other transcripts: non-coding transcript variant (1).
Genome position (GRCh38, 1-based): chr3:57,864,647, C>T. VCF-style: chr3-57864647-C-T. GRCh37 (hg19) VCF-style: chr3-57850374-C-T.
Other names: c.1066C>T, p.Leu356Phe (NM_001304420.3, NM_001304421.2, NM_001377538.1 and 17 more transcripts); short protein forms L356F.
Identifiers: ClinVar variation 2448005 (VCV002448005.3), dbSNP rs1470689481, ClinGen allele CA353409378.